The following is an entry in ClinVar:

NM_000136.3(FANCC):c.553C>T (p.Arg185Ter)

Genes: AOPEP (aminopeptidase O (putative); plus strand), FANCC (FA complementation group C; minus strand). Cytogenetic location: 9q22.32.
Variant type: single nucleotide variant.
Coding change: c.553C>T on transcript NM_000136.3 (MANE Select); coding-DNA position 553, C replaced by T.
Protein change: p.Arg185Ter; replaces arginine 185 with a stop codon.
Molecular consequence: nonsense.
Genome position (GRCh38, 1-based): chr9:95,150,056, G>A on the plus strand (C>T on the coding strand, the complement: FANCC is on the minus strand). VCF-style: chr9-95150056-G-A. GRCh37 (hg19) VCF-style: chr9-97912338-G-A.
Other names: p.R185*:CGA>TGA; c.553C>T, p.Arg185Ter (NM_001243743.2, NM_001243744.2); short protein forms R185*.
Identifiers: ClinVar variation 12044 (VCV000012044.35), dbSNP rs121917783, ClinGen allele CA287223.

ClinVar aggregate classification (germline): Pathogenic. Review status: criteria provided, multiple submitters, no conflicts (2 of 4 stars). 14 submissions from 14 submitters: Pathogenic (12). 2 of the submissions do not count toward it. Last evaluated 2026-01-14.
ClinVar aggregate classification (oncogenicity): Likely oncogenic (1 of 4 stars; one submission).

Conditions:
FANCC-related disorder. Also called: FANCC-related condition.
Fanconi anemia (FA). Also called: Fanconi's anemia. Identifiers: Orphanet 84, MedGen C0015625, MeSH D005199, MONDO:0019391.
Fanconi anemia complementation group C (FANCC). Also called: Fanconi anemia, group C; FANCONI PANCYTOPENIA, TYPE 3; FACC; FANCC-Related Fanconi Anemia. Identifiers: Orphanet 84, MedGen C3468041, MONDO:0009213, OMIM 227645.
Malignant tumor of breast. Also called: Malignant breast neoplasm; Cancer breast. Identifiers: MedGen C0006142, MONDO:0007254. Disease mechanism: loss of function.
Hereditary cancer-predisposing syndrome. Also called: Neoplastic Syndromes, Hereditary; Tumor predisposition; Hereditary neoplastic syndrome; Hereditary Cancer Syndrome. Identifiers: Orphanet 140162, MedGen C0027672, MeSH D009386, MONDO:0015356.
Neoplasm. Also called: Neoplasms; Neoplasm (disease); tumor. Identifiers: MedGen C0027651, MeSH D009369, MONDO:0005070, HP:0002664.

Allele frequency attached by ClinVar (database versions not stated): gnomAD 0.00011; ExAC 0.00004; gnomAD exomes 0.00006; TOPMed 0.00012.
gnomAD v4.1: 265 of 1,613,952 alleles (0.016%); highest among the groups gnomAD compares: Non-Finnish European, 0.022%; no homozygotes.

Submissions 1 to 10 of 15:

Center for Genomic Medicine, Rigshospitalet, Copenhagen University Hospital
Classification: Likely oncogenic for Neoplasm. Last evaluated: 2026-10-16. Review status: criteria provided, single submitter. Criteria: ClinGen/CGC/VICC Guidelines for Oncogenicity, 2022. Collection method: clinical testing. Allele origin: somatic. Affected: yes.

Labcorp Genetics (formerly Invitae), Labcorp
Classification: Pathogenic for Fanconi anemia. Last evaluated: 2026-01-14. Review status: criteria provided, single submitter. Criteria: Invitae Variant Classification Sherloc (09022015). Collection method: clinical testing. Allele origin: germline.
Comment: This sequence change creates a premature translational stop signal (p.Arg185*) in the FANCC gene. RNA analysis indicates that this premature translational stop signal induces altered splicing and likely results in a shortened protein product. This variant is present in population databases (rs121917783, gnomAD 0.01%). This premature translational stop signal has been observed in individuals with breast and/or ovarian cancer and Fanconi anemia (PMID: 7689011, 8128956, 17924555, 22778927, 23028338, 23613520, 26681312). ClinVar contains an entry for this variant (Variation ID: 12044). Studies have shown that this premature translational stop signal results in skipping of 7, but is expected to preserve the integrity of the reading-frame (PMID: 7689011, 20509860). For these reasons, this variant has been classified as Pathogenic.

PreventionGenetics, part of Exact Sciences
Classification: Pathogenic for FANCC-related condition. Last evaluated: 2025-09-17. Review status: criteria provided, single submitter. Criteria: ACMG Guidelines, 2015. Collection method: clinical testing. Allele origin: germline.
Comment: The FANCC c.553C>T variant is predicted to result in premature protein termination (p.Arg185*). This variant has been identified in individuals with recessive Fanconi anemia and is reported to cause exon skipping (For example see: Gibson et al. 1993. PubMed ID: 7689011; Tsangaris et al. 2011. PubMed ID: 21659346; Gille et al. 2012. PubMed ID: 22778927). This variant is reported in 0.012% of alleles in individuals of European (Non-Finnish) descent in gnomAD and is interpreted as Pathogenic in ClinVar (Variation ID: 12044). Nonsense variants in FANCC are expected to be pathogenic. This variant is interpreted as pathogenic.

Natera, Inc.
Classification: Pathogenic for Fanconi anemia. Last evaluated: 2025-08-12. Review status: criteria provided, single submitter. Criteria: Natera Variant Classification Schema (03/2026). Collection method: clinical testing. Allele origin: germline.
Comment: The c.553C>T variant in FANCC is a nonsense variant predicted to introduce a stop codon at amino acid 185. This variant is expected to result in nonsense mediated decay, truncation, or a dysfunctional protein product. This variant is rare in the general population with a frequency below the threshold expected for the associated phenotype(s). This variant has been observed in one or more individuals affected with the associated recessive disease, as either homozygous or compound heterozygous with a second variant (PMID: 22778927). Given the available evidence, this variant is classified as Pathogenic.

Blueprint Genetics
Classification: Pathogenic for FANCC-related disorders. Last evaluated: 2024-10-18. Review status: criteria provided, single submitter. Criteria: ACMG Guidelines, 2015. Collection method: clinical testing. Allele origin: germline. Affected: yes. Observed: 5 variant alleles.

Ambry Genetics
Classification: Pathogenic for Hereditary cancer-predisposing syndrome. Last evaluated: 2024-07-03. Review status: criteria provided, single submitter. Criteria: Ambry Variant Classification Scheme 2023. Collection method: clinical testing. Allele origin: germline.
Comment: The p.R185* pathogenic mutation (also known as c.553C>T), located in coding exon 6 of the FANCC gene, results from a C to T substitution at nucleotide position 553. This changes the amino acid from an arginine to a stop codon within coding exon 6. This mutation has been identified homozygous and compound heterozygous in several Fanconi anemia cohorts (Gibson RA et al. Hum. Mol. Genet. 1993 Jun;2:797-9; Ameziane N et al. Hum. Mutat. 2008 Jan;29:159-66; Gille JJ et al. Anemia. 2012 Jun;2012:603253; Tsangaris E et al. J. Med. Genet. 2011 Sep;48:618-28) and was not detected in 70 unrelated British controls (Gibson RA et al. Hum. Mol. Genet. 1993 Jun;2:797-9). This mutation has also been reported in individuals with breast cancer and a family history of breast and/or ovarian cancer (Thompson ER et al. PLoS Genet. 2012 Sep;8:e1002894; Susswein LR et al. Genet. Med. 2016 08;18:823-32). Of note, this alteration is also designated as 808C>T in published literature. In addition to the clinical data presented in the literature, this alteration is expected to result in loss of function by premature protein truncation or nonsense-mediated mRNA decay. As such, this alteration is interpreted as a disease-causing mutation.

Quest Diagnostics Nichols Institute San Juan Capistrano
Classification: Pathogenic. Last evaluated: 2024-06-21. Review status: criteria provided, single submitter. Criteria: Quest Diagnostics criteria. Collection method: clinical testing. Allele origin: unknown.
Comment: The FANCC c.553C>T (p.Arg185*) variant causes the premature termination of FANCC protein synthesis. This variant is expected to cause the premature termination of FANCC protein synthesis or produce a shortened protein product through aberrant splicing (PMID: 7689011 (1993). In the published literature, this variant has been reported in a homozygous and compound heterozygous state in multiple individuals with Fanconi anemia (PMID: 7689011 (1993), 8128956 (1994), 17924555 (2008), 21659346 (2011), 22778927 (2012), 23613520 (2013)). This variant is also reported in individuals with breast and/or ovarian cancer (PMID: 23028338 (2012), 26681312 (2015), 33471991 (2021), see also LOVD) and prostate cancer (PMID: 28259476 (2017)). In addition, this variant has been found in reportedly healthy individuals (PMID: 33471991 (2021), see also LOVD). The frequency of this variant in the general population, 0.00012 (16/129132 chromosomes (Genome Aggregation Database)), is consistent with pathogenicity. Based on the available information, this variant is classified as pathogenic.

Clinical Genetics Laboratory, Skane University Hospital Lund
Classification: Pathogenic. Last evaluated: 2024-03-18. Review status: criteria provided, single submitter. Criteria: ACMG Guidelines, 2015. Collection method: clinical testing. Allele origin: germline. Affected: yes.

Baylor Genetics
Classification: Pathogenic for Fanconi anemia complementation group C. Last evaluated: 2024-02-26. Review status: criteria provided, single submitter. Criteria: ACMG Guidelines, 2015. Collection method: clinical testing. Allele origin: unknown.

Genetic Services Laboratory, University of Chicago
Classification: Pathogenic. Last evaluated: 2023-02-09. Review status: criteria provided, single submitter. Criteria: ACMG Guidelines, 2015. Collection method: clinical testing. Allele origin: germline. Affected: yes.
Comment: DNA sequence analysis of the FANCC gene demonstrated a sequence change, c.553C>T, which results in the creation of a premature stop codon at amino acid position 185, p.Arg185*. This pathogenic sequence change is predicted to result in an abnormal transcript, which may be degraded, or may lead to the production of a truncated FANCC protein with potentially abnormal function. This sequence change has been described in the gnomAD database with a frequency of 0.012% in the European subpopulation (dbSNP rs121917783). This pathogenic sequence change has previously been described in the homozygous state in an individual with Fanconi anemia (PMID: 7689011). RNA analysis suggests this sequence change may result in skipping of exon 6 and complementation studies in a cell line containing this sequence change demonstrated lack of FANCC protein function (PMID: 20509860). Collectively, this evidence suggests this sequence change is pathogenic.